The following is an entry in ClinVar:

ClinVar aggregate classification (germline): Uncertain significance (1 of 4 stars; one submission).

Allele frequency attached by ClinVar (database versions not stated): TOPMed below 0.00001.

Submission:

GeneDx
Classification: Uncertain significance. Last evaluated: 2019-05-31. Review status: criteria provided, single submitter. Criteria: GeneDx Variant Classification Process June 2021. Collection method: clinical testing. Allele origin: germline. Affected: yes.
Comment: Has not been previously published as pathogenic or benign to our knowledge; Not observed in large population cohorts (Lek et al., 2016); In silico analysis, which includes protein predictors and evolutionary conservation, supports that this variant does not alter protein structure/function

NM_002755.4(MAP2K1):c.520A>G (p.Ile174Val)

Gene: MAP2K1 (mitogen-activated protein kinase kinase 1; plus strand). Cytogenetic location: 15q22.31.
Variant type: single nucleotide variant.
Coding change: c.520A>G on transcript NM_002755.4 (MANE Select); coding-DNA position 520, A replaced by G.
Protein change: p.Ile174Val; replaces isoleucine 174 with valine.
Molecular consequence: missense variant.
Genome position (GRCh38, 1-based): chr15:66,444,659, A>G. VCF-style: chr15-66444659-A-G. GRCh37 (hg19) VCF-style: chr15-66736997-A-G.
Other names: short protein forms I174V.
Identifiers: ClinVar variation 1189400 (VCV001189400.2), dbSNP rs1891814988, ClinGen allele CA392932161.